The following is an entry in ClinVar:

ClinVar aggregate classification (germline): Uncertain significance (1 of 4 stars; one submission).

Conditions:
Intellectual disability, autosomal recessive 53 (NEDHSCA). Also called: GLYCOSYLPHOSPHATIDYLINOSITOL BIOSYNTHESIS DEFECT 13; Mental retardation, autosomal recessive 53; NEURODEVELOPMENTAL DISORDER WITH OR WITHOUT HYPOTONIA, SEIZURES, AND CEREBELLAR ATROPHY. Identifiers: Orphanet 488635, MedGen C4310794, MONDO:0014832, OMIM 616917.

Allele frequency attached by ClinVar (database versions not stated): gnomAD exomes below 0.00001; TOPMed below 0.00001.
gnomAD v4.1: 5 of 1,614,154 alleles (0.00031%); highest among the groups gnomAD compares: East Asian, 0.0022%; no homozygotes.

Submission:

Labcorp Genetics (formerly Invitae), Labcorp
Classification: Uncertain significance for Intellectual disability, autosomal recessive 53. Last evaluated: 2022-03-04. Review status: criteria provided, single submitter. Criteria: Invitae Variant Classification Sherloc (09022015). Collection method: clinical testing. Allele origin: germline.
Comment: This sequence change replaces asparagine, which is neutral and polar, with serine, which is neutral and polar, at codon 228 of the PIGG protein (p.Asn228Ser). This variant is present in population databases (no rsID available, gnomAD 0.006%). This variant has not been reported in the literature in individuals affected with PIGG-related conditions. Algorithms developed to predict the effect of missense changes on protein structure and function output the following: SIFT: "Tolerated"; PolyPhen-2: "Benign"; Align-GVGD: "Class C0". The serine amino acid residue is found in multiple mammalian species, which suggests that this missense change does not adversely affect protein function. In summary, the available evidence is currently insufficient to determine the role of this variant in disease. Therefore, it has been classified as a Variant of Uncertain Significance.

NM_001127178.3(PIGG):c.683A>G (p.Asn228Ser)

Gene: PIGG (phosphatidylinositol glycan anchor biosynthesis class G (EMM blood group); plus strand). Cytogenetic location: 4p16.3.
Variant type: single nucleotide variant.
Coding change: c.683A>G on transcript NM_001127178.3 (MANE Select); coding-DNA position 683, A replaced by G.
Protein change: p.Asn228Ser; replaces asparagine 228 with serine.
Molecular consequence: missense variant. On other transcripts: 5 prime UTR variant (4), non-coding transcript variant (10), intron variant (1).
Genome position (GRCh38, 1-based): chr4:507,517, A>G. VCF-style: chr4-507517-A-G. GRCh37 (hg19) VCF-style: chr4-501306-A-G.
Other names: c.416A>G, p.Asn139Ser (NM_001289051.2, NM_001289053.2, NM_001289057.2 and 2 more transcripts); c.317A>G, p.Asn106Ser (NM_001289055.2); c.-205A>G (NM_001345988.2); c.683A>G, p.Asn228Ser (NM_001345989.2, NM_017733.5); c.-943A>G (NM_001345990.2); c.-805A>G (NM_001345991.2); c.-530A>G (NM_001345994.2); c.361-1312A>G (NM_001289052.2); short protein forms N106S, N139S, N228S.
Identifiers: ClinVar variation 1420436 (VCV001420436.8), dbSNP rs1553880271, ClinGen allele CA355897509.